The following is an entry in ClinVar:

ClinVar aggregate classification (germline): Likely benign (0 of 4 stars; one submission).

Conditions:
CPE-related disorder. Also called: CPE-related condition.

gnomAD v4.1: 2 of 1,612,964 alleles (0.00012%); highest among the groups gnomAD compares: African/African-American, 0.0027%; no homozygotes.

Submission:

PreventionGenetics, part of Exact Sciences
Classification: Likely benign for CPE-related condition. Last evaluated: 2022-05-17. Review status: no assertion criteria provided. Collection method: clinical testing. Allele origin: germline.
Comment: This variant is classified as likely benign based on ACMG/AMP sequence variant interpretation guidelines (Richards et al. 2015 PMID: 25741868, with internal and published modifications).

NM_001873.4(CPE):c.354T>C (p.Ala118=)

Gene: CPE (carboxypeptidase E; plus strand). Cytogenetic location: 4q32.3.
Variant type: single nucleotide variant.
Coding change: c.354T>C on transcript NM_001873.4 (MANE Select); coding-DNA position 354, T replaced by C.
Protein change: p.Ala118=; no amino-acid change (alanine 118 retained).
Molecular consequence: synonymous variant.
Genome position (GRCh38, 1-based): chr4:165,464,436, T>C. VCF-style: chr4-165464436-T-C. GRCh37 (hg19) VCF-style: chr4-166385588-T-C.
Identifiers: ClinVar variation 3354385 (VCV003354385.1).
Genomic context (GRCh38, chr4:165,464,436, plus strand): 5'-TATTAATCTTTTAGGTGAGCCTGAATTTAAATACATTGGGAATATGCATGGGAATGAGGC[T>C]GTTGGACGAGAACTGCTCATTTTCTTGGCCCAGTACCTATGCAACGAATACCAGAAGGGG-3'
Protein context (NP_001864.1, residues 108-128): KYIGNMHGNE[Ala118=]VGRELLIFLA